The following is an entry in ClinVar:

ClinVar aggregate classification (germline): Uncertain significance (1 of 4 stars; one submission).

Conditions:
Autosomal recessive mendelian susceptibility to mycobacterial diseases due to complete RORgamma receptor deficiency. Also called: Immunodeficiency 42. Identifiers: Orphanet 477857, MedGen C5567647, MONDO:0014710, OMIM 616622.

Allele frequency attached by ClinVar (database versions not stated): TOPMed below 0.00001.

Submission:

Labcorp Genetics (formerly Invitae), Labcorp
Classification: Uncertain significance for Autosomal recessive mendelian susceptibility to mycobacterial diseases due to complete RORgamma receptor deficiency. Last evaluated: 2021-02-13. Review status: criteria provided, single submitter. Criteria: Invitae Variant Classification Sherloc (09022015). Collection method: clinical testing. Allele origin: germline.
Comment: This sequence change replaces glutamic acid with glycine at codon 416 of the RORC protein (p.Glu416Gly). The glutamic acid residue is highly conserved and there is a moderate physicochemical difference between glutamic acid and glycine. This variant is not present in population databases (ExAC no frequency). In summary, the available evidence is currently insufficient to determine the role of this variant in disease. Therefore, it has been classified as a Variant of Uncertain Significance. Algorithms developed to predict the effect of missense changes on protein structure and function (SIFT, PolyPhen-2, Align-GVGD) all suggest that this variant is likely to be disruptive, but these predictions have not been confirmed by published functional studies and their clinical significance is uncertain. This variant has not been reported in the literature in individuals with RORC-related disease.

NM_005060.4(RORC):c.1247A>G (p.Glu416Gly)

Gene: RORC (RAR related orphan receptor C; minus strand). Cytogenetic location: 1q21.3.
Variant type: single nucleotide variant.
Coding change: c.1247A>G on transcript NM_005060.4 (MANE Select); coding-DNA position 1247, A replaced by G.
Protein change: p.Glu416Gly; replaces glutamic acid 416 with glycine.
Molecular consequence: missense variant.
Genome position (GRCh38, 1-based): chr1:151,812,985, T>C on the plus strand (A>G on the coding strand, the complement: RORC is on the minus strand). VCF-style: chr1-151812985-T-C. GRCh37 (hg19) VCF-style: chr1-151785461-T-C.
Other names: c.1247A>G, p.Glu416Gly (LRG_1322t1); c.1184A>G, p.Glu395Gly (NM_001001523.2, LRG_1322t2); short protein forms E416G, E395G.
Identifiers: ClinVar variation 542376 (VCV000542376.8), dbSNP rs200523716, ClinGen allele CA30493011.